The following is an entry in ClinVar:

ClinVar aggregate classification (germline): Uncertain significance. Review status: criteria provided, multiple submitters, no conflicts (2 of 4 stars). 2 submissions from 2 submitters: Uncertain significance (2). Last evaluated 2025-10-02.

Conditions:
Autosomal dominant Parkinson disease 8. Also called: Parkinson disease 8, susceptibility to; LRRK2-Related Parkinson Disease; Parkinson disease 8. Identifiers: Orphanet 411602, MedGen C1846862, MONDO:0011764, OMIM 607060.
Inborn genetic diseases. Identifiers: MedGen C0950123, MeSH D030342.

Allele frequency attached by ClinVar (database versions not stated): gnomAD exomes below 0.00001 and 0.00001; ExAC 0.00001; ESP Exome Variant Server 0.00008.
gnomAD v4.1: 4 of 1,613,304 alleles (0.00025%); highest among the groups gnomAD compares: Non-Finnish European, 0.00034%; no homozygotes.

Submissions (2):

Labcorp Genetics (formerly Invitae), Labcorp
Classification: Uncertain significance for Autosomal dominant Parkinson disease 8. Last evaluated: 2025-10-02. Review status: criteria provided, single submitter. Criteria: Invitae Variant Classification Sherloc (09022015). Collection method: clinical testing. Allele origin: germline.
Comment: This sequence change replaces asparagine, which is neutral and polar, with serine, which is neutral and polar, at codon 202 of the LRRK2 protein (p.Asn202Ser). This variant is present in population databases (rs377550083, gnomAD 0.002%). This variant has not been reported in the literature in individuals affected with LRRK2-related conditions. ClinVar contains an entry for this variant (Variation ID: 1042541). Invitae Evidence Modeling of protein sequence and biophysical properties (such as structural, functional, and spatial information, amino acid conservation, physicochemical variation, residue mobility, and thermodynamic stability) has been performed for this missense variant. However, the output from this modeling did not meet the statistical confidence thresholds required to predict the impact of this variant on LRRK2 protein function. In summary, the available evidence is currently insufficient to determine the role of this variant in disease. Therefore, it has been classified as a Variant of Uncertain Significance.

Ambry Genetics
Classification: Uncertain significance for Inborn genetic diseases. Last evaluated: 2024-07-29. Review status: criteria provided, single submitter. Criteria: Ambry Variant Classification Scheme 2023. Collection method: clinical testing. Allele origin: germline.
Comment: The p.N202S variant (also known as c.605A>G), located in coding exon 6 of the LRRK2 gene, results from an A to G substitution at nucleotide position 605. The asparagine at codon 202 is replaced by serine, an amino acid with highly similar properties. This amino acid position is conserved. In addition, this alteration is predicted to be tolerated by in silico analysis. Since supporting evidence is limited at this time, the clinical significance of this alteration remains unclear.

NM_198578.4(LRRK2):c.605A>G (p.Asn202Ser)

Gene: LRRK2 (leucine rich repeat kinase 2; plus strand). Cytogenetic location: 12q12.
Variant type: single nucleotide variant.
Coding change: c.605A>G on transcript NM_198578.4 (MANE Select); coding-DNA position 605, A replaced by G.
Protein change: p.Asn202Ser; replaces asparagine 202 with serine.
Molecular consequence: missense variant.
Genome position (GRCh38, 1-based): chr12:40,240,516, A>G. VCF-style: chr12-40240516-A-G. GRCh37 (hg19) VCF-style: chr12-40634318-A-G.
Other names: short protein forms N202S.
Identifiers: ClinVar variation 1042541 (VCV001042541.12), dbSNP rs377550083, ClinGen allele CA6513141.